The following is an entry in ClinVar:

ClinVar aggregate classification (germline): Uncertain significance (1 of 4 stars; one submission).

Submission:

GeneDx
Classification: Uncertain significance. Last evaluated: 2024-11-25. Review status: criteria provided, single submitter. Criteria: GeneDx Variant Classification Process June 2021. Collection method: clinical testing. Allele origin: germline. Affected: yes.
Comment: Not observed at significant frequency in large population cohorts (gnomAD); In silico analysis supports that this missense variant has a deleterious effect on protein structure/function; Has not been previously published as pathogenic or benign to our knowledge; This variant is associated with the following publications: (PMID: 25512093, 25609763, 26100331)

NM_001376.5(DYNC1H1):c.8030A>T (p.Gln2677Leu)

Gene: DYNC1H1 (dynein cytoplasmic 1 heavy chain 1; plus strand). Cytogenetic location: 14q32.31.
Variant type: single nucleotide variant.
Coding change: c.8030A>T on transcript NM_001376.5 (MANE Select); coding-DNA position 8030, A replaced by T.
Protein change: p.Gln2677Leu; replaces glutamine 2677 with leucine.
Molecular consequence: missense variant.
Genome position (GRCh38, 1-based): chr14:102,017,269, A>T. VCF-style: chr14-102017269-A-T. GRCh37 (hg19) VCF-style: chr14-102483606-A-T.
Other names: short protein forms Q2677L.
Identifiers: ClinVar variation 1314301 (VCV001314301.3), dbSNP rs2152582927, ClinGen allele CA391004027.